The following is an entry in ClinVar:

ClinVar aggregate classification (germline): Uncertain significance (1 of 4 stars; one submission).

Conditions:
Desbuquois dysplasia 1 (DBQD1). Also called: DESBUQUOIS DYSPLASIA 1, KIM VARIANT; MICROMELIC DWARFISM WITH VERTEBRAL AND METAPHYSEAL ABNORMALITIES AND ADVANCED CARPOTARSAL OSSIFICATION. Identifiers: Orphanet 1425, MedGen C4012146, MONDO:0009629, OMIM 251450.

Allele frequency attached by ClinVar (database versions not stated): TOPMed 0.00002; ESP Exome Variant Server 0.00008; gnomAD 0.00001; gnomAD exomes 0.00001.
gnomAD v4.1: 12 of 1,611,182 alleles (0.00074%); highest among the groups gnomAD compares: African/African-American, 0.0013%; no homozygotes.

Submission:

Labcorp Genetics (formerly Invitae), Labcorp
Classification: Uncertain significance for Desbuquois dysplasia 1. Last evaluated: 2023-08-19. Review status: criteria provided, single submitter. Criteria: Invitae Variant Classification Sherloc (09022015). Collection method: clinical testing. Allele origin: germline.
Comment: This sequence change falls in intron 4 of the XYLT1 gene. It does not directly change the encoded amino acid sequence of the XYLT1 protein. It affects a nucleotide within the consensus splice site. This variant is present in population databases (rs368086323, gnomAD 0.007%). This variant has not been reported in the literature in individuals affected with XYLT1-related conditions. ClinVar contains an entry for this variant (Variation ID: 961741). Variants that disrupt the consensus splice site are a relatively common cause of aberrant splicing (PMID: 17576681, 9536098). Algorithms developed to predict the effect of sequence changes on RNA splicing suggest that this variant is not likely to affect RNA splicing. In summary, the available evidence is currently insufficient to determine the role of this variant in disease. Therefore, it has been classified as a Variant of Uncertain Significance.

Literature cited by the submitters: PubMed 17576681; PubMed 9536098.

NM_022166.4(XYLT1):c.1086+4A>G

Gene: XYLT1 (xylosyltransferase 1; minus strand). Cytogenetic location: 16p12.3.
Variant type: single nucleotide variant.
Coding change: c.1086+4A>G on transcript NM_022166.4 (MANE Select); 4 bases into the intron after coding-DNA position 1086, A replaced by G.
Molecular consequence: intron variant.
Genome position (GRCh38, 1-based): chr16:17,200,478, T>C on the plus strand (A>G on the coding strand, the complement: XYLT1 is on the minus strand). VCF-style: chr16-17200478-T-C. GRCh37 (hg19) VCF-style: chr16-17294335-T-C.
Identifiers: ClinVar variation 961741 (VCV000961741.5), dbSNP rs368086323, ClinGen allele CA278675875.